The following is an entry in ClinVar:

ClinVar aggregate classification (germline): Likely benign (1 of 4 stars; one submission).

Conditions:
KBG syndrome (KBGS). Also called: ANKRD11-Related KBG Syndrome. Identifiers: Orphanet 2332, MedGen C0220687, MONDO:0007846, OMIM 148050.

gnomAD v4.1: 7 of 1,610,096 alleles (0.00043%); highest among the groups gnomAD compares: Non-Finnish European, 0.00051%; no homozygotes.

Submission:

Juno Genomics, Hangzhou Juno Genomics, Inc
Classification: Likely benign for KBG syndrome. Review status: criteria provided, single submitter. Criteria: ACMG Guidelines, 2015. Collection method: clinical testing. Allele origin: germline.
Comment: Absent from controls (or at extremely low frequency if recessive) in Genome Aggregation Database.;Multiple lines of computational evidence suggest no impact on gene or gene product.

NM_013275.6(ANKRD11):c.6592C>T (p.Arg2198Trp)

Gene: ANKRD11 (ankyrin repeat domain 11; minus strand). Cytogenetic location: 16q24.3.
Variant type: single nucleotide variant.
Coding change: c.6592C>T on transcript NM_013275.6 (MANE Select); coding-DNA position 6592, C replaced by T.
Protein change: p.Arg2198Trp; replaces arginine 2198 with tryptophan.
Molecular consequence: missense variant.
Genome position (GRCh38, 1-based): chr16:89,279,950, G>A on the plus strand (C>T on the coding strand, the complement: ANKRD11 is on the minus strand). VCF-style: chr16-89279950-G-A. GRCh37 (hg19) VCF-style: chr16-89346358-G-A.
Other names: c.6592C>T, p.Arg2198Trp (NM_001256182.2, NM_001256183.2); short protein forms R2198W.
Identifiers: ClinVar variation 5019449 (VCV005019449.2).